The following is an entry in ClinVar:

NM_003867.4(FGF17):c.287G>A (p.Arg96Gln)

Gene: FGF17 (fibroblast growth factor 17; plus strand). Cytogenetic location: 8p21.3.
Variant type: single nucleotide variant.
Coding change: c.287G>A on transcript NM_003867.4 (MANE Select); coding-DNA position 287, G replaced by A.
Protein change: p.Arg96Gln; replaces arginine 96 with glutamine.
Molecular consequence: missense variant.
Genome position (GRCh38, 1-based): chr8:22,046,563, G>A. VCF-style: chr8-22046563-G-A. GRCh37 (hg19) VCF-style: chr8-21904074-G-A.
Other names: c.254G>A, p.Arg85Gln (NM_001304478.1); short protein forms R85Q, R96Q.
Identifiers: ClinVar variation 2630280 (VCV002630280.1), dbSNP rs201297515, ClinGen allele CA173468220.
Genomic context (GRCh38, chr8:22,046,563, plus strand): 5'-TCTTTCTCCCCTCCCCCACCACAGCCAAGCTCATAGTGGAGACGGACACGTTTGGCAGCC[G>A]GGTTCGCATCAAAGGGGCTGAGAGTGAGAAGTACATCTGTATGAACAAGAGGGGCAAGCT-3'
Protein context (NP_003858.1, residues 86-106): LIVETDTFGS[Arg96Gln]VRIKGAESEK

ClinVar aggregate classification (germline): Uncertain significance (1 of 4 stars; one submission).

Conditions:
FGF17-related disorder. Also called: FGF17-related condition.

Allele frequency attached by ClinVar (database versions not stated): gnomAD exomes below 0.00001; TOPMed below 0.00001; gnomAD 0.00001; 1000 Genomes Project 30x 0.00016; 1000 Genomes Project 0.00020.
gnomAD v4.1: 7 of 1,613,858 alleles (0.00043%); highest among the groups gnomAD compares: Non-Finnish European, 0.00059%; no homozygotes.

Submission:

PreventionGenetics, part of Exact Sciences
Classification: Uncertain significance for FGF17-related condition. Last evaluated: 2023-03-10. Review status: criteria provided, single submitter. Criteria: ACMG Guidelines, 2015. Collection method: clinical testing. Allele origin: germline.
Comment: The FGF17 c.287G>A variant is predicted to result in the amino acid substitution p.Arg96Gln. This variant was reported in an individual with hypogonadotropic hypogonadism (Supplemental Table S2, Cassatella et al. 2018. PubMed ID: 29419413). This variant is reported in 0.0018% of alleles in individuals of European (Non-Finnish) descent in gnomAD. At this time, the clinical significance of this variant is uncertain due to the absence of conclusive functional and genetic evidence.